The following is an entry in ClinVar:

ClinVar aggregate classification (germline): Benign. Review status: criteria provided, multiple submitters, no conflicts (2 of 4 stars). 6 submissions from 6 submitters: Benign (4). 2 of the submissions do not count toward it. Last evaluated 2026-02-02.

Conditions:
Emery-Dreifuss muscular dystrophy 5, autosomal dominant (EDMD5). Also called: EMERY-DREIFUSS MUSCULAR DYSTROPHY 5. Identifiers: Orphanet 261, MedGen C2751805, MONDO:0013072, OMIM 612999.

Allele frequency attached by ClinVar (database versions not stated): 1000 Genomes Project 0.00679; 1000 Genomes Project 30x 0.00703; gnomAD 0.00998 and 0.01033; TOPMed 0.01052; ESP Exome Variant Server 0.01115; ExAC 0.01318; gnomAD exomes 0.01318 and 0.01397.
gnomAD v4.1: 22,047 of 1,614,194 alleles (1.4%); highest among the groups gnomAD compares: South Asian, 2.5%; 225 homozygotes.

Submissions (6):

Labcorp Genetics (formerly Invitae), Labcorp
Classification: Benign for Emery-Dreifuss muscular dystrophy 5, autosomal dominant. Last evaluated: 2026-02-02. Review status: criteria provided, single submitter. Criteria: Invitae Variant Classification Sherloc (09022015). Collection method: clinical testing. Allele origin: germline.

Athena Diagnostics
Classification: Benign. Last evaluated: 2024-06-03. Review status: criteria provided, single submitter. Criteria: Athena Diagnostics Criteria. Collection method: clinical testing. Allele origin: unknown.

Illumina Laboratory Services, Illumina
Classification: Benign for Emery-Dreifuss muscular dystrophy 5, autosomal dominant. Last evaluated: 2018-01-12. Review status: criteria provided, single submitter. Criteria: ICSL Variant Classification Criteria 13 December 2019. Collection method: clinical testing. Allele origin: germline.
Comment: This variant was observed in the ICSL laboratory as part of a predisposition screen in an ostensibly healthy population. It had not been previously curated by ICSL or reported in the Human Gene Mutation Database (HGMD: prior to June 1st, 2018), and was therefore a candidate for classification through an automated scoring system. Utilizing variant allele frequency, disease prevalence and penetrance estimates, and inheritance mode, an automated score was calculated to assess if this variant is too frequent to cause the disease. Based on the score and internal cut-off values, a variant classified as benign is not then subjected to further curation. The score for this variant resulted in a classification of benign for this disease.

Breakthrough Genomics
Classification: Benign. Review status: criteria provided, single submitter. Criteria: ACMG Guidelines, 2015. Collection method: not provided. Allele origin: germline. Inheritance: Autosomal dominant inheritance. Affected: yes.

Genome Diagnostics Laboratory, University Medical Center Utrecht
Classification: Benign. Review status: no assertion criteria provided. Collection method: clinical testing. Allele origin: germline. Affected: yes. Study: VKGL Data-share Consensus. Not counted in ClinVar's aggregate classification.

Laboratory of Diagnostic Genome Analysis, Leiden University Medical Center (LUMC)
Classification: Likely benign. Review status: no assertion criteria provided. Collection method: clinical testing. Allele origin: germline. Affected: yes. Study: VKGL Data-share Consensus. Not counted in ClinVar's aggregate classification.

Literature cited by the submitters: PubMed 32570879 (cited by Athena Diagnostics); PubMed 32766464 (cited by Athena Diagnostics).

NM_182914.3(SYNE2):c.16639G>A (p.Asp5547Asn)

Gene: SYNE2 (spectrin repeat containing nuclear envelope protein 2; plus strand). Cytogenetic location: 14q23.2.
Variant type: single nucleotide variant.
Coding change: c.16639G>A on transcript NM_182914.3 (MANE Select); coding-DNA position 16639, G replaced by A.
Protein change: p.Asp5547Asn; replaces aspartic acid 5547 with asparagine.
Molecular consequence: missense variant.
Genome position (GRCh38, 1-based): chr14:64,167,266, G>A. VCF-style: chr14-64167266-G-A. GRCh37 (hg19) VCF-style: chr14-64633984-G-A.
Other names: c.16639G>A, p.Asp5547Asn (NM_015180.6); short protein forms D5547N.
Identifiers: ClinVar variation 313627 (VCV000313627.19), dbSNP rs17179194, ClinGen allele CA7223448.
Genomic context (GRCh38, chr14:64,167,266, plus strand): 5'-ACCTGTACTTCAATTTTTTAAAAATAGAATCATGTGCTGGCACTGACAGCCCAATCACCT[G>A]ATATTGAACATTTGAATGAAGTGAGCCTCAAGCTCCCACTTAGTGACGTAGCTGTGAAGA-3'
Protein context (NP_878918.2, residues 5537-5557): HVLALTAQSP[Asp5547Asn]IEHLNEVSLK